The following is an entry in ClinVar:

NM_013432.5(TONSL):c.2721del (p.Ser907fs)

Genes: TONSL (tonsoku like, DNA repair protein; minus strand), TONSL-AS1 (TONSL antisense RNA 1; plus strand). Cytogenetic location: 8q24.3.
Variant type: Deletion.
Coding change: c.2721del on transcript NM_013432.5 (MANE Select); coding-DNA position 2721, one base deleted (C; older notation c.2721delC).
Protein change: p.Ser907fs; shifts the reading frame from serine 907.
Molecular consequence: frameshift variant.
Genome position (GRCh38, 1-based): chr8:144,435,712, G deleted on the plus strand (C on the coding strand, the reverse complement: TONSL is on the minus strand). VCF-style (leftmost placement, unchanged base first): chr8-144435711-TG-T. GRCh37 (hg19) VCF-style: chr8-145661094-TG-T.
Other names: short protein forms S907fs.
Identifiers: ClinVar variation 2002537 (VCV002002537.4), dbSNP rs1444877227, ClinGen allele CA848882133.

ClinVar aggregate classification (germline): Pathogenic (1 of 4 stars; one submission).

Allele frequency attached by ClinVar (database versions not stated): TOPMed below 0.00001.

Submission:

Labcorp Genetics (formerly Invitae), Labcorp
Classification: Pathogenic. Last evaluated: 2023-05-09. Review status: criteria provided, single submitter. Criteria: Invitae Variant Classification Sherloc (09022015). Collection method: clinical testing. Allele origin: germline.
Comment: For these reasons, this variant has been classified as Pathogenic. ClinVar contains an entry for this variant (Variation ID: 2002537). This sequence change creates a premature translational stop signal (p.Ser907Argfs*101) in the TONSL gene. It is expected to result in an absent or disrupted protein product. Loss-of-function variants in TONSL are known to be pathogenic (PMID: 30773277). This variant is not present in population databases (gnomAD no frequency). This variant has not been reported in the literature in individuals affected with TONSL-related conditions.

Literature cited by the submitters: PubMed 30773277.